The following is an entry in ClinVar:

NM_001348716.2(KDM6B):c.88T>G (p.Ser30Ala)

Gene: KDM6B (lysine demethylase 6B; plus strand). Cytogenetic location: 17p13.1.
Variant type: single nucleotide variant.
Coding change: c.88T>G on transcript NM_001348716.2 (MANE Select); coding-DNA position 88, T replaced by G.
Protein change: p.Ser30Ala; replaces serine 30 with alanine.
Molecular consequence: missense variant.
Genome position (GRCh38, 1-based): chr17:7,845,642, T>G. VCF-style: chr17-7845642-T-G. GRCh37 (hg19) VCF-style: chr17-7748960-T-G.
Other names: c.88T>G, p.Ser30Ala (NM_001080424.2); short protein forms S30A.
Identifiers: ClinVar variation 4975839 (VCV004975839.1).
Genomic context (GRCh38, chr17:7,845,642, plus strand): 5'-GCCCGCGCTGCACGGGAAGCCTTTGCCCTTGGGGGCCTGAGCTGTGCTGGGGCCTGGAGC[T>G]CCTGCCCGCCTCATCCCCCTCCTCGTAGCGCATGGCTGCCTGGAGGCAGGTGAGAAGTTG-3'
Protein context (NP_001335645.1, residues 20-40): GGLSCAGAWS[Ser30Ala]CPPHPPPRSA

ClinVar aggregate classification (germline): Uncertain significance (1 of 4 stars; one submission).

gnomAD v4.1: 1 of 1,614,036 alleles (0.000062%); highest among the groups gnomAD compares: Non-Finnish European, 0.000085%; no homozygotes.

Submission:

GeneDx
Classification: Uncertain significance. Last evaluated: 2026-02-03. Review status: criteria provided, single submitter. Criteria: GeneDx Variant Classification Process June 2021. Collection method: clinical testing. Allele origin: germline.
Comment: Not observed at significant frequency in large population cohorts (gnomAD); In silico analysis suggests that this missense variant does not alter protein structure/function; Has not been previously published as pathogenic or benign to our knowledge